The following is an entry in ClinVar:

NM_001164508.2(NEB):c.13670A>G (p.Lys4557Arg)

Gene: NEB (nebulin; minus strand). Cytogenetic location: 2q23.3.
Variant type: single nucleotide variant.
Coding change: c.13670A>G on transcript NM_001164508.2 (MANE Select); coding-DNA position 13670, A replaced by G.
Protein change: p.Lys4557Arg; replaces lysine 4557 with arginine.
Molecular consequence: missense variant. On other transcripts: intron variant (1).
Genome position (GRCh38, 1-based): chr2:151,600,560, T>C on the plus strand (A>G on the coding strand, the complement: NEB is on the minus strand). VCF-style: chr2-151600560-T-C. GRCh37 (hg19) VCF-style: chr2-152457074-T-C.
Other names: c.13670A>G, p.Lys4557Arg (NM_001164507.2, NM_001271208.2); c.11601+9249A>G (NM_004543.5); short protein forms K4557R.
Identifiers: ClinVar variation 1939720 (VCV001939720.2), dbSNP rs2552219779, ClinGen allele CA348768513.

ClinVar aggregate classification (germline): Uncertain significance (1 of 4 stars; one submission).

Conditions:
Nemaline myopathy 2 (NEM2). Also called: Nemaline myopathy 2, autosomal recessive. Identifiers: MedGen C1850569, MONDO:0009725, OMIM 256030.

Submission:

Labcorp Genetics (formerly Invitae), Labcorp
Classification: Uncertain significance for Nemaline myopathy 2. Last evaluated: 2021-08-05. Review status: criteria provided, single submitter. Criteria: Invitae Variant Classification Sherloc (09022015). Collection method: clinical testing. Allele origin: germline.
Comment: This sequence change replaces lysine with arginine at codon 4557 of the NEB protein (p.Lys4557Arg). The lysine residue is weakly conserved and there is a small physicochemical difference between lysine and arginine. The frequency data for this variant in the population databases (ExAC) is considered unreliable due to the presence of homologous sequence, such as pseudogenes or paralogs, in the genome. This variant has not been reported in the literature in individuals affected with NEB-related conditions. Algorithms developed to predict the effect of missense changes on protein structure and function are either unavailable or do not agree on the potential impact of this missense change (SIFT: "Deleterious"; PolyPhen-2: "Not Available"; Align-GVGD: "Class C0"). In summary, the available evidence is currently insufficient to determine the role of this variant in disease. Therefore, it has been classified as a Variant of Uncertain Significance.